The following is an entry in ClinVar:

NM_004393.6(DAG1):c.2240A>T (p.Asp747Val)

Gene: DAG1 (dystroglycan 1; plus strand). Cytogenetic location: 3p21.31.
Variant type: single nucleotide variant.
Coding change: c.2240A>T on transcript NM_004393.6 (MANE Select); coding-DNA position 2240, A replaced by T.
Protein change: p.Asp747Val; replaces aspartic acid 747 with valine.
Molecular consequence: missense variant.
Genome position (GRCh38, 1-based): chr3:49,532,751, A>T. VCF-style: chr3-49532751-A-T. GRCh37 (hg19) VCF-style: chr3-49570184-A-T.
Other names: c.2240A>T, p.Asp747Val (NM_001165928.4, NM_001177634.3, NM_001177635.3 and 9 more transcripts); c.2240A>T (NM_004393.4); short protein forms D747V.
Identifiers: ClinVar variation 1517403 (VCV001517403.7), dbSNP rs755687939, ClinGen allele CA2399232.

ClinVar aggregate classification (germline): Uncertain significance. Review status: criteria provided, multiple submitters, no conflicts (2 of 4 stars). 2 submissions from 2 submitters: Uncertain significance (2). Last evaluated 2024-05-06.

Conditions:
Inborn genetic diseases. Identifiers: MedGen C0950123, MeSH D030342.
Autosomal recessive limb-girdle muscular dystrophy type 2P. Also called: MUSCULAR DYSTROPHY-DYSTROGLYCANOPATHY, LIMB-GIRDLE, DAG1-RELATED; Limb-Girdle Muscular Dystrophy Type 9C; MUSCULAR DYSTROPHY, LIMB-GIRDLE, TYPE 2P. Identifiers: Orphanet 280333, MedGen C4511963, MONDO:0013440, OMIM 613818.
Muscular dystrophy-dystroglycanopathy (congenital with brain and eye anomalies), type A9. Also called: WALKER-WARBURG SYNDROME OR MUSCLE-EYE BRAIN DISEASE, DAG1-RELATED; Muscular dystrophy-dystroglycanopathy (congenital with brain and eye anomalies), type a, 9. Identifiers: Orphanet 370997, Orphanet 899, MedGen C4225291, MONDO:0014683, OMIM 616538.

Allele frequency attached by ClinVar (database versions not stated): gnomAD exomes below 0.00001; ExAC 0.00001; gnomAD 0.00001; TOPMed 0.00003.
gnomAD v4.1: 4 of 1,613,970 alleles (0.00025%); highest among the groups gnomAD compares: Non-Finnish European, 0.00034%; no homozygotes.

Submissions (2):

Ambry Genetics
Classification: Uncertain significance for Inborn genetic diseases. Last evaluated: 2024-05-06. Review status: criteria provided, single submitter. Criteria: Ambry Variant Classification Scheme 2023. Collection method: clinical testing. Allele origin: germline.

Labcorp Genetics (formerly Invitae), Labcorp
Classification: Uncertain significance for Autosomal recessive limb-girdle muscular dystrophy type 2P; Muscular dystrophy-dystroglycanopathy (congenital with brain and eye anomalies), type A9. Last evaluated: 2021-08-26. Review status: criteria provided, single submitter. Criteria: Invitae Variant Classification Sherloc (09022015). Collection method: clinical testing. Allele origin: germline.
Comment: This sequence change replaces aspartic acid with valine at codon 747 of the DAG1 protein (p.Asp747Val). The aspartic acid residue is moderately conserved and there is a large physicochemical difference between aspartic acid and valine. In summary, the available evidence is currently insufficient to determine the role of this variant in disease. Therefore, it has been classified as a Variant of Uncertain Significance. Algorithms developed to predict the effect of sequence changes on RNA splicing suggest that this variant may create or strengthen a splice site. Algorithms developed to predict the effect of missense changes on protein structure and function are either unavailable or do not agree on the potential impact of this missense change (SIFT: "Deleterious"; PolyPhen-2: "Probably Damaging"; Align-GVGD: "Class C0"). This variant has not been reported in the literature in individuals affected with DAG1-related conditions. This variant is present in population databases (rs755687939, ExAC 0.002%).